The following is an entry in ClinVar:

NM_003072.5(SMARCA4):c.1635_1636dup (p.Lys546fs)

Gene: SMARCA4 (SWI/SNF related BAF chromatin remodeling complex subunit ATPase 4; plus strand). Cytogenetic location: 19p13.2.
Variant type: Duplication.
Coding change: c.1635_1636dup on transcript NM_003072.5 (MANE Select); coding-DNA positions 1635 to 1636, 2 bases duplicated (GA; older notation c.1635_1636dupGA).
Protein change: p.Lys546fs; shifts the reading frame from lysine 546.
Molecular consequence: frameshift variant. On other transcripts: non-coding transcript variant (1).
Genome position (GRCh38, 1-based): chr19:10,996,254-10,996,255, GA duplicated; duplicating any 2 consecutive bases within chr19:10,996,253-10,996,255 gives the same sequence; the c. name uses the placement nearest the transcript's 3' end. VCF-style (leftmost placement, unchanged base first): chr19-10996252-A-AAG. GRCh37 (hg19) VCF-style: chr19-11106928-A-AAG.
Other names: c.1635_1636dup, p.Lys546fs (NM_001128844.3, NM_001128845.2, NM_001128846.2 and 6 more transcripts); short protein forms K546fs.
Identifiers: ClinVar variation 4864778 (VCV004864778.1).

ClinVar aggregate classification (germline): Pathogenic (1 of 4 stars; one submission).

Conditions:
Hereditary cancer-predisposing syndrome. Also called: Neoplastic Syndromes, Hereditary; Tumor predisposition; Hereditary Cancer Syndrome; Hereditary neoplastic syndrome. Identifiers: Orphanet 140162, MedGen C0027672, MeSH D009386, MONDO:0015356.

Submission:

Ambry Genetics
Classification: Pathogenic for Hereditary cancer-predisposing syndrome. Last evaluated: 2026-05-08. Review status: criteria provided, single submitter. Criteria: Ambry Variant Classification Scheme 2023. Collection method: clinical testing. Allele origin: germline.
Comment: The c.1635_1636dupGA pathogenic mutation, located in coding exon 9 of the SMARCA4 gene, results from a duplication of GA at nucleotide position 1635, causing a translational frameshift with a predicted alternate stop codon (p.K546Rfs*68). This variant is considered to be rare based on population cohorts in the Genome Aggregation Database (gnomAD). This alteration is expected to result in loss of function by premature protein truncation or nonsense-mediated mRNA decay. Loss-of-function variants in SMARCA4 are known to cause rhabdoid tumor predisposition syndrome including small cell carcinoma of the ovary-hypercalcemic type (SCCOHT); however, such associations with neurodevelopmental disorders are exceedingly rare (Kosho T et al. Am J Med Genet C Semin Med Genet. 2014 Sep;166C(3):262-75; Jelinic P et al. Nat Genet. 2014 May;46(5):424-6). Based on the supporting evidence, this variant is pathogenic for rhabdoid tumor predisposition syndrome; however, the association of this variant with Coffin-Siris syndrome is unlikely.